The following is an entry in ClinVar:

NM_003954.5(MAP3K14):c.2155C>T (p.Pro719Ser)

Genes: MAP3K14 (mitogen-activated protein kinase kinase kinase 14; minus strand), MAP3K14-AS1 (MAP3K14 antisense RNA 1; plus strand), LOC126862575 (CDK7 strongly-dependent group 2 enhancer GRCh37_chr17:43344006-43345205; plus strand). Cytogenetic location: 17q21.31.
Variant type: single nucleotide variant.
Coding change: c.2155C>T on transcript NM_003954.5 (MANE Select); coding-DNA position 2155, C replaced by T.
Protein change: p.Pro719Ser; replaces proline 719 with serine.
Molecular consequence: missense variant.
Genome position (GRCh38, 1-based): chr17:45,267,577, G>A on the plus strand (C>T on the coding strand, the complement: MAP3K14 is on the minus strand). VCF-style: chr17-45267577-G-A. GRCh37 (hg19) VCF-style: chr17-43344944-G-A.
Other names: short protein forms P719S.
Identifiers: ClinVar variation 1508174 (VCV001508174.6), dbSNP rs2143771869, ClinGen allele CA399875545.

ClinVar aggregate classification (germline): Uncertain significance (1 of 4 stars; one submission).

Conditions:
NIK deficiency. Also called: Primary immunodeficiency with multifaceted aberrant lymphoid immunity. Identifiers: Orphanet 447731, MedGen C5680065, MONDO:0018642.

Submission:

Labcorp Genetics (formerly Invitae), Labcorp
Classification: Uncertain significance for NIK deficiency. Last evaluated: 2021-11-22. Review status: criteria provided, single submitter. Criteria: Invitae Variant Classification Sherloc (09022015). Collection method: clinical testing. Allele origin: germline.
Comment: This variant has not been reported in the literature in individuals affected with MAP3K14-related conditions. In summary, the available evidence is currently insufficient to determine the role of this variant in disease. Therefore, it has been classified as a Variant of Uncertain Significance. Experimental studies and prediction algorithms are not available or were not evaluated, and the functional significance of this variant is currently unknown. This variant is not present in population databases (gnomAD no frequency). This sequence change replaces proline, which is neutral and non-polar, with serine, which is neutral and polar, at codon 719 of the MAP3K14 protein (p.Pro719Ser).